The following is an entry in ClinVar:

ClinVar aggregate classification (germline): Likely benign (1 of 4 stars; one submission).

Allele frequency attached by ClinVar (database versions not stated): 1000 Genomes Project 30x 0.00422; gnomAD 0.00451 and 0.00484; 1000 Genomes Project 0.00479; TOPMed 0.00505.
gnomAD v4.1: 677 of 152,244 alleles (0.44%); highest among the groups gnomAD compares: African/African-American, 1.6%; 5 homozygotes.

Submission:

GeneDx
Classification: Likely benign. Last evaluated: 2018-06-16. Review status: criteria provided, single submitter. Criteria: GeneDx Variant Classification (06012015). Collection method: clinical testing. Allele origin: germline. Affected: yes.
Comment: This variant is considered likely benign or benign based on one or more of the following criteria: it is a conservative change, it occurs at a poorly conserved position in the protein, it is predicted to be benign by multiple in silico algorithms, and/or has population frequency not consistent with disease.

NM_001271.4(CHD2):c.1810-224G>A

Gene: CHD2 (chromodomain helicase DNA binding protein 2; plus strand). Cytogenetic location: 15q26.1.
Variant type: single nucleotide variant.
Coding change: c.1810-224G>A on transcript NM_001271.4 (MANE Select); 224 bases into the intron before coding-DNA position 1810, G replaced by A.
Molecular consequence: intron variant.
Genome position (GRCh38, 1-based): chr15:92,956,235, G>A. VCF-style: chr15-92956235-G-A. GRCh37 (hg19) VCF-style: chr15-93499465-G-A.
Identifiers: ClinVar variation 677442 (VCV000677442.1), dbSNP rs58546115, ClinGen allele CA274878996.